The following is an entry in ClinVar:

ClinVar aggregate classification (germline): Uncertain significance (1 of 4 stars; one submission).

Allele frequency attached by ClinVar (database versions not stated): ExAC 0.00003; gnomAD 0.00003; TOPMed 0.00003.
gnomAD v4.1: 47 of 1,614,074 alleles (0.0029%); highest among the groups gnomAD compares: Middle Eastern, 0.016%; no homozygotes.

Submission:

Labcorp Genetics (formerly Invitae), Labcorp
Classification: Uncertain significance. Last evaluated: 2025-04-20. Review status: criteria provided, single submitter. Criteria: Invitae Variant Classification Sherloc (09022015). Collection method: clinical testing. Allele origin: germline.
Comment: This sequence change replaces arginine, which is basic and polar, with cysteine, which is neutral and slightly polar, at codon 1246 of the IGF1R protein (p.Arg1246Cys). This variant is present in population databases (rs61740868, gnomAD 0.01%). This variant has not been reported in the literature in individuals affected with IGF1R-related conditions. ClinVar contains an entry for this variant (Variation ID: 2711828). Invitae Evidence Modeling of protein sequence and biophysical properties (such as structural, functional, and spatial information, amino acid conservation, physicochemical variation, residue mobility, and thermodynamic stability) indicates that this missense variant is not expected to disrupt IGF1R protein function with a negative predictive value of 80%. In summary, the available evidence is currently insufficient to determine the role of this variant in disease. Therefore, it has been classified as a Variant of Uncertain Significance.

NM_000875.5(IGF1R):c.3736C>T (p.Arg1246Cys)

Gene: IGF1R (insulin like growth factor 1 receptor; plus strand). Cytogenetic location: 15q26.3.
Variant type: single nucleotide variant.
Coding change: c.3736C>T on transcript NM_000875.5 (MANE Select); coding-DNA position 3736, C replaced by T.
Protein change: p.Arg1246Cys; replaces arginine 1246 with cysteine.
Molecular consequence: missense variant.
Genome position (GRCh38, 1-based): chr15:98,957,074, C>T. VCF-style: chr15-98957074-C-T. GRCh37 (hg19) VCF-style: chr15-99500303-C-T.
Other names: c.3733C>T, p.Arg1245Cys (NM_001291858.2); short protein forms R1245C, R1246C.
Identifiers: ClinVar variation 2711828 (VCV002711828.3), dbSNP rs61740868, ClinGen allele CA7752785.